The following is an entry in ClinVar:

NM_015047.3(EMC1):c.2857T>C (p.Phe953Leu)

Genes: EMC1 (ER membrane protein complex subunit 1; minus strand), EMC1-AS1 (EMC1 antisense RNA 1; plus strand). Cytogenetic location: 1p36.13.
Variant type: single nucleotide variant.
Coding change: c.2857T>C on transcript NM_015047.3 (MANE Select); coding-DNA position 2857, T replaced by C.
Protein change: p.Phe953Leu; replaces phenylalanine 953 with leucine.
Molecular consequence: missense variant.
Genome position (GRCh38, 1-based): chr1:19,219,428, A>G on the plus strand (T>C on the coding strand, the complement: EMC1 is on the minus strand). VCF-style: chr1-19219428-A-G. GRCh37 (hg19) VCF-style: chr1-19545922-A-G.
Other names: c.2854T>C, p.Phe952Leu (NM_001271427.2, NM_001271428.2); c.2791T>C, p.Phe931Leu (NM_001271429.2); c.2866T>C, p.Phe956Leu (NM_001375820.1); c.2863T>C, p.Phe955Leu (NM_001375821.1); short protein forms F931L, F952L, F953L, F955L, F956L.
Identifiers: ClinVar variation 1464830 (VCV001464830.8), dbSNP rs2151933415, ClinGen allele CA338749168.

ClinVar aggregate classification (germline): Uncertain significance (1 of 4 stars; one submission).

Submission:

Labcorp Genetics (formerly Invitae), Labcorp
Classification: Uncertain significance. Last evaluated: 2021-03-03. Review status: criteria provided, single submitter. Criteria: Invitae Variant Classification Sherloc (09022015). Collection method: clinical testing. Allele origin: germline.
Comment: This sequence change replaces phenylalanine with leucine at codon 953 of the EMC1 protein (p.Phe953Leu). The phenylalanine residue is highly conserved and there is a small physicochemical difference between phenylalanine and leucine. This variant is not present in population databases (ExAC no frequency). This variant has not been reported in the literature in individuals with EMC1-related conditions. Algorithms developed to predict the effect of missense changes on protein structure and function are either unavailable or do not agree on the potential impact of this missense change (SIFT: "Deleterious"; PolyPhen-2: "Probably Damaging"; Align-GVGD: "Class C15"). In summary, the available evidence is currently insufficient to determine the role of this variant in disease. Therefore, it has been classified as a Variant of Uncertain Significance.